The following is an entry in ClinVar:

NM_002485.5(NBN):c.1244G>A (p.Ser415Asn)

Gene: NBN (nibrin; minus strand). Cytogenetic location: 8q21.3.
Variant type: single nucleotide variant.
Coding change: c.1244G>A on transcript NM_002485.5 (MANE Select); coding-DNA position 1244, G replaced by A.
Protein change: p.Ser415Asn; replaces serine 415 with asparagine.
Molecular consequence: missense variant.
Genome position (GRCh38, 1-based): chr8:89,955,436, C>T on the plus strand (G>A on the coding strand, the complement: NBN is on the minus strand). VCF-style: chr8-89955436-C-T. GRCh37 (hg19) VCF-style: chr8-90967664-C-T.
Other names: c.998G>A, p.Ser333Asn (NM_001024688.3); short protein forms S333N, S415N.
Identifiers: ClinVar variation 639438 (VCV000639438.17), dbSNP rs764832388, ClinGen allele CA4802776.

ClinVar aggregate classification (germline): Conflicting classifications of pathogenicity. Review status: criteria provided, conflicting classifications (1 of 4 stars). 3 submissions from 3 submitters: Uncertain significance (2); Likely benign (1). Last evaluated 2023-07-25.

Conditions:
Hereditary cancer-predisposing syndrome. Also called: Hereditary Cancer Syndrome; Neoplastic Syndromes, Hereditary; Tumor predisposition; Hereditary neoplastic syndrome. Identifiers: Orphanet 140162, MedGen C0027672, MeSH D009386, MONDO:0015356.
Microcephaly, normal intelligence and immunodeficiency (NBS). Also called: Immunodeficiency, microcephaly with normal intelligence; SEEMANOVA SYNDROME II; Nijmegen breakage syndrome; Microcephaly with normal intelligence immunodeficiency and lymphoreticular malignancies; Nonsyndromal microcephaly autosomal recessive with normal intelligence; Seemanova syndrome 2. Identifiers: Orphanet 647, MedGen C0398791, MONDO:0009623, OMIM 251260.

Allele frequency attached by ClinVar (database versions not stated): gnomAD exomes below 0.00001; ExAC 0.00001.
gnomAD v4.1: 2 of 1,613,752 alleles (0.00012%); highest among the groups gnomAD compares: Non-Finnish European, 0.000085%; no homozygotes.

Submissions (3):

Labcorp Genetics (formerly Invitae), Labcorp
Classification: Uncertain significance for Microcephaly, normal intelligence and immunodeficiency. Last evaluated: 2023-07-25. Review status: criteria provided, single submitter. Criteria: Invitae Variant Classification Sherloc (09022015). Collection method: clinical testing. Allele origin: germline.
Comment: This sequence change replaces serine, which is neutral and polar, with asparagine, which is neutral and polar, at codon 415 of the NBN protein (p.Ser415Asn). This variant is present in population databases (rs764832388, gnomAD 0.0009%). This variant has not been reported in the literature in individuals affected with NBN-related conditions. ClinVar contains an entry for this variant (Variation ID: 639438). Algorithms developed to predict the effect of missense changes on protein structure and function output the following: SIFT: "Not Available"; PolyPhen-2: "Benign"; Align-GVGD: "Not Available". The asparagine amino acid residue is found in multiple mammalian species, which suggests that this missense change does not adversely affect protein function. In summary, the available evidence is currently insufficient to determine the role of this variant in disease. Therefore, it has been classified as a Variant of Uncertain Significance.

Genome-Nilou Lab
Classification: Uncertain significance for Microcephaly, normal intelligence and immunodeficiency. Last evaluated: 2021-11-07. Review status: criteria provided, single submitter. Criteria: ACMG Guidelines, 2015. Collection method: clinical testing. Allele origin: germline. Affected: no.

Ambry Genetics
Classification: Likely benign for Hereditary cancer-predisposing syndrome. Last evaluated: 2018-03-16. Review status: criteria provided, single submitter. Criteria: Ambry Variant Classification Scheme 2023. Collection method: clinical testing. Allele origin: germline.